The following is an entry in ClinVar:

NM_001287491.2(TET3):c.5069C>T (p.Ser1690Leu)

Gene: TET3 (tet methylcytosine dioxygenase 3; plus strand). Cytogenetic location: 2p13.1.
Variant type: single nucleotide variant.
Coding change: c.5069C>T on transcript NM_001287491.2 (MANE Select); coding-DNA position 5069, C replaced by T.
Protein change: p.Ser1690Leu; replaces serine 1690 with leucine.
Molecular consequence: missense variant.
Genome position (GRCh38, 1-based): chr2:74,101,857, C>T. VCF-style: chr2-74101857-C-T. GRCh37 (hg19) VCF-style: chr2-74328984-C-T.
Other names: c.4790C>T, p.Ser1597Leu (NM_001366022.1); short protein forms S1597L, S1690L.
Identifiers: ClinVar variation 1684108 (VCV001684108.3), dbSNP rs2104233688, ClinGen allele CA347323758.
Genomic context (GRCh38, chr2:74,101,857, plus strand): 5'-GGGAGCTGCACGCCACCACGCCGCTTAAGAAGCCCAACCGCTGCCACCCCACCCGCATCT[C>T]GCTGGTCTTCTACCAGCACAAGAACCTCAACCAGCCCAACCACGGGCTGGCCCTCTGGGA-3'
Protein context (NP_001274420.1, residues 1680-1700): KPNRCHPTRI[Ser1690Leu]LVFYQHKNLN

ClinVar aggregate classification (germline): Uncertain significance (1 of 4 stars; one submission).

Submission:

GeneDx
Classification: Uncertain significance. Last evaluated: 2024-11-01. Review status: criteria provided, single submitter. Criteria: GeneDx Variant Classification Process June 2021. Collection method: clinical testing. Allele origin: germline. Affected: yes.
Comment: Not observed at significant frequency in large population cohorts (gnomAD); In silico analysis supports that this missense variant has a deleterious effect on protein structure/function; Has not been previously published as pathogenic or benign to our knowledge